The following is an entry in ClinVar:

ClinVar aggregate classification (germline): Uncertain significance (1 of 4 stars; one submission).

Conditions:
Pitt-Hopkins-like syndrome 2 (PTHSL2). Identifiers: Orphanet 221150, Orphanet 600663, MedGen C3280479, MONDO:0013690, OMIM 614325.

Allele frequency attached by ClinVar (database versions not stated): gnomAD 0.00001; gnomAD exomes 0.00001; TOPMed 0.00001.
gnomAD v4.1: 6 of 1,601,602 alleles (0.00037%); highest among the groups gnomAD compares: Non-Finnish European, 0.00051%; no homozygotes.

Submission:

Labcorp Genetics (formerly Invitae), Labcorp
Classification: Uncertain significance for Pitt-Hopkins-like syndrome 2. Last evaluated: 2025-04-10. Review status: criteria provided, single submitter. Criteria: Invitae Variant Classification Sherloc (09022015). Collection method: clinical testing. Allele origin: germline.
Comment: This sequence change replaces proline, which is neutral and non-polar, with serine, which is neutral and polar, at codon 100 of the NRXN1 protein (p.Pro100Ser). The frequency data for this variant in the population databases is considered unreliable, as metrics indicate poor data quality at this position in the gnomAD database. This variant has not been reported in the literature in individuals affected with NRXN1-related conditions. ClinVar contains an entry for this variant (Variation ID: 2194887). An algorithm developed to predict the effect of missense changes on protein structure and function (PolyPhen-2) suggests that this variant is likely to be disruptive. In summary, the available evidence is currently insufficient to determine the role of this variant in disease. Therefore, it has been classified as a Variant of Uncertain Significance.

NM_001330078.2(NRXN1):c.298C>T (p.Pro100Ser)

Gene: NRXN1 (neurexin 1; minus strand). Cytogenetic location: 2p16.3.
Variant type: single nucleotide variant.
Coding change: c.298C>T on transcript NM_001330078.2 (MANE Select); coding-DNA position 298, C replaced by T.
Protein change: p.Pro100Ser; replaces proline 100 with serine.
Molecular consequence: missense variant.
Genome position (GRCh38, 1-based): chr2:51,027,976, G>A on the plus strand (C>T on the coding strand, the complement: NRXN1 is on the minus strand). VCF-style: chr2-51027976-G-A. GRCh37 (hg19) VCF-style: chr2-51255114-G-A.
Other names: c.298C>T, p.Pro100Ser (NM_001135659.3, NM_001330077.2, NM_001330079.2 and 15 more transcripts); short protein forms P100S.
Identifiers: ClinVar variation 2194887 (VCV002194887.4), dbSNP rs1467238746, ClinGen allele CA346824281.